The following is an entry in ClinVar:

NC_000002.11:g.(?_145153959)_(145158894_?)del

Gene: ZEB2 (zinc finger E-box binding homeobox 2; minus strand). Cytogenetic location: 2q22.3.
Variant type: Deletion.
Identifiers: ClinVar variation 1456430 (VCV001456430.7).

ClinVar aggregate classification (germline): Pathogenic (1 of 4 stars; one submission).

Conditions:
Mowat-Wilson syndrome (MOWS). Also called: Classic Mowat-Wilson Syndrome. Identifiers: Orphanet 2152, MedGen C1856113, MONDO:0009341, OMIM 235730.

Submission:

Labcorp Genetics (formerly Invitae), Labcorp
Classification: Pathogenic for Mowat-Wilson syndrome. Last evaluated: 2022-09-07. Review status: criteria provided, single submitter. Criteria: Invitae Variant Classification Sherloc (09022015). Collection method: clinical testing. Allele origin: germline.
Comment: For these reasons, this variant has been classified as Pathogenic. This variant disrupts a region of the ZEB2 protein in which other variant(s) (p.His1066Glnfs*56) have been determined to be pathogenic (Invitae). This suggests that this is a clinically significant region of the protein, and that variants that disrupt it are likely to be disease-causing. This variant has not been reported in the literature in individuals affected with ZEB2-related conditions. This variant is a gross deletion of the genomic region encompassing exon(s) 7-9 of the ZEB2 gene. While this deletion is not anticipated to lead to nonsense mediated decay, it is expected to disrupt the C-terminus of the protein.